The following is an entry in ClinVar:

NM_014795.4(ZEB2):c.1534G>A (p.Gly512Ser)

Gene: ZEB2 (zinc finger E-box binding homeobox 2; minus strand). Cytogenetic location: 2q22.3.
Variant type: single nucleotide variant.
Coding change: c.1534G>A on transcript NM_014795.4 (MANE Select); coding-DNA position 1534, G replaced by A.
Protein change: p.Gly512Ser; replaces glycine 512 with serine.
Molecular consequence: missense variant.
Genome position (GRCh38, 1-based): chr2:144,399,653, C>T on the plus strand (G>A on the coding strand, the complement: ZEB2 is on the minus strand). VCF-style: chr2-144399653-C-T. GRCh37 (hg19) VCF-style: chr2-145157220-C-T.
Other names: c.1462G>A, p.Gly488Ser (NM_001171653.2); short protein forms G512S, G488S.
Identifiers: ClinVar variation 390228 (VCV000390228.15), dbSNP rs141781307, ClinGen allele CA1898326.

ClinVar aggregate classification (germline): Benign/Likely benign. Review status: criteria provided, multiple submitters, no conflicts (2 of 4 stars). 4 submissions from 4 submitters: Benign (1); Likely benign (3). Last evaluated 2025-10-01.

Conditions:
Inborn genetic diseases. Identifiers: MedGen C0950123, MeSH D030342.
Mowat-Wilson syndrome (MOWS). Also called: Classic Mowat-Wilson Syndrome. Identifiers: Orphanet 2152, MedGen C1856113, MONDO:0009341, OMIM 235730.

Allele frequency attached by ClinVar (database versions not stated): TOPMed below 0.00001; ExAC 0.00001; ESP Exome Variant Server 0.00008.
gnomAD v4.1: 9 of 1,614,130 alleles (0.00056%); highest among the groups gnomAD compares: Admixed American, 0.005%; no homozygotes.

Submissions (4):

Labcorp Genetics (formerly Invitae), Labcorp
Classification: Benign for Mowat-Wilson syndrome. Last evaluated: 2025-10-01. Review status: criteria provided, single submitter. Criteria: Invitae Variant Classification Sherloc (09022015). Collection method: clinical testing. Allele origin: germline.

Ambry Genetics
Classification: Likely benign for Inborn genetic diseases. Last evaluated: 2023-03-14. Review status: criteria provided, single submitter. Criteria: Ambry Variant Classification Scheme 2023. Collection method: clinical testing. Allele origin: germline.

Genome-Nilou Lab
Classification: Likely benign for Mowat-Wilson syndrome. Last evaluated: 2021-11-07. Review status: criteria provided, single submitter. Criteria: ACMG Guidelines, 2015. Collection method: clinical testing. Allele origin: germline. Affected: no.

GeneDx
Classification: Likely benign. Last evaluated: 2016-10-24. Review status: criteria provided, single submitter. Criteria: GeneDx Variant Classification (06012015). Collection method: clinical testing. Allele origin: germline. Affected: yes.
Comment: This variant is considered likely benign or benign based on one or more of the following criteria: it is a conservative change, it occurs at a poorly conserved position in the protein, it is predicted to be benign by multiple in silico algorithms, and/or has population frequency not consistent with disease.